The following is an entry in ClinVar:

ClinVar aggregate classification (germline): Uncertain significance. Review status: criteria provided, multiple submitters, no conflicts (2 of 4 stars). 4 submissions from 4 submitters: Uncertain significance (4). Last evaluated 2025-06-25.

Conditions:
Hereditary cancer-predisposing syndrome. Also called: Neoplastic Syndromes, Hereditary; Hereditary Cancer Syndrome; Tumor predisposition; Hereditary neoplastic syndrome. Identifiers: Orphanet 140162, MedGen C0027672, MeSH D009386, MONDO:0015356.
Ataxia-telangiectasia syndrome (AT). Also called: LOUIS-BAR SYNDROME; Cerebello-oculocutaneous telangiectasia; Immunodeficiency with ataxia telangiectasia; Ataxia-telangiectasia, complementation group D; AT, COMPLEMENTATION GROUP C; Ataxia-telangiectasia, complementation group E. Identifiers: Orphanet 100, MedGen C0004135, MONDO:0008840, OMIM 208900.

Allele frequency attached by ClinVar (database versions not stated): gnomAD 0.00001; TOPMed below 0.00001; gnomAD exomes below 0.00001.
gnomAD v4.1: 3 of 1,613,774 alleles (0.00019%); highest among the groups gnomAD compares: African/African-American, 0.004%; no homozygotes.

Submissions (4):

Ambry Genetics
Classification: Uncertain significance for Hereditary cancer-predisposing syndrome. Last evaluated: 2025-06-25. Review status: criteria provided, single submitter. Criteria: Ambry Variant Classification Scheme 2023. Collection method: clinical testing. Allele origin: germline.
Comment: The p.A2564T variant (also known as c.7690G>A), located in coding exon 51 of the ATM gene, results from a G to A substitution at nucleotide position 7690. The alanine at codon 2564 is replaced by threonine, an amino acid with similar properties. This amino acid position is well conserved in available vertebrate species. In addition, the in silico prediction for this alteration is inconclusive. Based on the available evidence, the clinical significance of this variant remains unclear.

Labcorp Genetics (formerly Invitae), Labcorp
Classification: Uncertain significance for Ataxia-telangiectasia syndrome. Last evaluated: 2024-04-10. Review status: criteria provided, single submitter. Criteria: Invitae Variant Classification Sherloc (09022015). Collection method: clinical testing. Allele origin: germline.
Comment: This sequence change replaces alanine, which is neutral and non-polar, with threonine, which is neutral and polar, at codon 2564 of the ATM protein (p.Ala2564Thr). This variant is not present in population databases (gnomAD no frequency). This variant has not been reported in the literature in individuals affected with ATM-related conditions. ClinVar contains an entry for this variant (Variation ID: 479059). An algorithm developed to predict the effect of missense changes on protein structure and function (PolyPhen-2) suggests that this variant¬†is likely to be tolerated. In summary, the available evidence is currently insufficient to determine the role of this variant in disease. Therefore, it has been classified as a Variant of Uncertain Significance.

Women's Health and Genetics/Laboratory Corporation of America, LabCorp
Classification: Uncertain significance. Last evaluated: 2023-08-07. Review status: criteria provided, single submitter. Criteria: LabCorp Variant Classification Summary - May 2015. Collection method: clinical testing. Allele origin: germline.

GeneDx
Classification: Uncertain significance. Last evaluated: 2019-09-18. Review status: criteria provided, single submitter. Criteria: GeneDx Variant Classification Process June 2021. Collection method: clinical testing. Allele origin: germline. Affected: yes.
Comment: Not observed in large population cohorts (Lek 2016); In silico analysis, which includes protein predictors and evolutionary conservation, supports that this variant does not alter protein structure/function; Has not been previously published as pathogenic or benign to our knowledge

NM_000051.4(ATM):c.7690G>A (p.Ala2564Thr)

Genes: ATM (ATM serine/threonine kinase; plus strand), C11orf65 (chromosome 11 open reading frame 65; minus strand). Cytogenetic location: 11q22.3.
Variant type: single nucleotide variant.
Coding change: c.7690G>A on transcript NM_000051.4 (MANE Select); coding-DNA position 7690, G replaced by A.
Protein change: p.Ala2564Thr; replaces alanine 2564 with threonine.
Molecular consequence: missense variant. On other transcripts: intron variant (2).
Genome position (GRCh38, 1-based): chr11:108,331,939, G>A. VCF-style: chr11-108331939-G-A. GRCh37 (hg19) VCF-style: chr11-108202666-G-A.
Other names: c.7690G>A, p.Ala2564Thr (NM_001351834.2); c.641-22868C>T (NM_001330368.2); c.*38+3281C>T (NM_001351110.2); short protein forms A2564T.
Identifiers: ClinVar variation 479059 (VCV000479059.17), dbSNP rs940285361, ClinGen allele CA228418719.